The following is an entry in ClinVar:

ClinVar aggregate classification (germline): Uncertain significance (1 of 4 stars; one submission).

Conditions:
Paroxysmal nonkinesigenic dyskinesia. Also called: Paroxysmal non-kinesigenic dyskinesia. Identifiers: Orphanet 98810, MedGen C1869117, MONDO:0700088.

Submission:

Labcorp Genetics (formerly Invitae), Labcorp
Classification: Uncertain significance for Paroxysmal nonkinesigenic dyskinesia. Last evaluated: 2024-02-11. Review status: criteria provided, single submitter. Criteria: Invitae Variant Classification Sherloc (09022015). Collection method: clinical testing. Allele origin: germline.
Comment: This sequence change results in a frameshift in the PNKD gene (p.Lys383Argfs*57). While this is not anticipated to result in nonsense mediated decay, it is expected to disrupt the last 3 amino acid(s) of the PNKD protein and extend the protein by 53 additional amino acid residues. This variant is not present in population databases (gnomAD no frequency). This variant has not been reported in the literature in individuals affected with PNKD-related conditions. ClinVar contains an entry for this variant (Variation ID: 655463). Experimental studies and prediction algorithms are not available or were not evaluated, and the functional significance of this variant is currently unknown. In summary, the available evidence is currently insufficient to determine the role of this variant in disease. Therefore, it has been classified as a Variant of Uncertain Significance.

NM_015488.5(PNKD):c.1148del (p.Lys383fs)

Genes: CATIP-AS2 (CATIP antisense RNA 2; minus strand), PNKD (PNKD metallo-beta-lactamase domain containing; plus strand). Cytogenetic location: 2q35.
Variant type: Deletion.
Coding change: c.1148del on transcript NM_015488.5 (MANE Select); coding-DNA position 1148, one base deleted (A; older notation c.1148delA).
Protein change: p.Lys383fs; shifts the reading frame from lysine 383.
Molecular consequence: frameshift variant.
Genome position (GRCh38, 1-based): chr2:218,344,971, A deleted; the last of 2 consecutive A bases (chr2:218,344,970-218,344,971); deleting either gives the same sequence. VCF-style (leftmost placement, unchanged base first): chr2-218344969-CA-C. GRCh37 (hg19) VCF-style: chr2-219209692-CA-C.
Other names: c.1076delA, p.Lys359Argfs (NM_022572.5); short protein forms K359fs, K383fs.
Identifiers: ClinVar variation 655463 (VCV000655463.6), dbSNP rs1574724140, ClinGen allele CA915941718.